The following is an entry in ClinVar:

ClinVar aggregate classification (germline): Benign/Likely benign. Review status: criteria provided, multiple submitters, no conflicts (2 of 4 stars). 4 submissions from 4 submitters: Benign (1); Likely benign (1). 2 of the submissions do not count toward it. Last evaluated 2024-11-25.

Conditions:
NPC1-related disorder. Also called: NPC1-related condition.

Submissions (5):

Blueprint Genetics
Classification: Likely benign. Last evaluated: 2024-11-25. Review status: criteria provided, single submitter. Criteria: ACMG Guidelines, 2015. Collection method: clinical testing. Allele origin: germline.

Eurofins Ntd Llc (ga)
Classification: Benign. Last evaluated: 2015-07-23. Review status: criteria provided, single submitter. Criteria: EGL Classification Definitions 2015. Collection method: clinical testing. Allele origin: germline. Observed: 1 variant allele, 1 heterozygote.

PreventionGenetics, part of Exact Sciences
Classification: Benign for NPC1-related condition. Last evaluated: 2019-05-08. Review status: no assertion criteria provided. Collection method: clinical testing. Allele origin: germline. Not counted in ClinVar's aggregate classification.
Comment: This variant is classified as benign based on ACMG/AMP sequence variant interpretation guidelines (Richards et al. 2015 PMID: 25741868, with internal and published modifications).

Mayo Clinic Laboratories, Mayo Clinic
Classification: Benign. Last evaluated: 2015-12-16. Review status: no assertion criteria provided. Collection method: clinical testing. Allele origin: unknown. Not counted in ClinVar's aggregate classification.

Dr. Peter K. Rogan Lab, Western University
No classification provided (evidence only). Condition: Uterine corpus endometrial carcinoma. Review status: no classification provided. Collection method: in vitro. Allele origin: not applicable. Functional consequence: retained intron. Not counted in ClinVar's aggregate classification.

NM_000271.5(NPC1):c.2131-6_2131-4del

Gene: NPC1 (NPC intracellular cholesterol transporter 1; minus strand). Cytogenetic location: 18q11.2.
Variant type: Deletion.
Coding change: c.2131-6_2131-4del on transcript NM_000271.5 (MANE Select); 6 bases into the intron before coding-DNA position 2131 through 4 bases into the intron before coding-DNA position 2131, 3 bases deleted (TTT; older notation c.2131-6_2131-4delTTT).
Molecular consequence: intron variant.
Genome position (GRCh38, 1-based): chr18:23,543,573-23,543,575, AAA deleted on the plus strand (TTT on the coding strand, the reverse complement: NPC1 is on the minus strand); deleting any 3 consecutive bases within chr18:23,543,573-23,543,590 gives the same sequence; the c. name uses the placement nearest the transcript's 3' end. VCF-style (leftmost placement, unchanged base first): chr18-23543572-TAAA-T. GRCh37 (hg19) VCF-style: chr18-21123536-TAAA-T.
Other names: NC_000018.9:g.21123552_21123554del; c.2131-21_2131-19del (NM_000271.5).
Identifiers: ClinVar variation 282052 (VCV000282052.11), dbSNP rs11299077, ClinGen allele CA8913201.